The following is an entry in ClinVar:

ClinVar aggregate classification (germline): Uncertain significance. Review status: criteria provided, multiple submitters, no conflicts (2 of 4 stars). 3 submissions from 3 submitters: Uncertain significance (3). Last evaluated 2026-07-01.

Conditions:
Inborn genetic diseases. Identifiers: MedGen C0950123, MeSH D030342.

Allele frequency attached by ClinVar (database versions not stated): gnomAD exomes 0.00001; ExAC 0.00002; TOPMed 0.00006; gnomAD 0.00007.
gnomAD v4.1: 27 of 1,613,676 alleles (0.0017%); highest among the groups gnomAD compares: African/African-American, 0.024%; no homozygotes.

Submissions (3):

CeGaT Center for Human Genetics Tuebingen
Classification: Uncertain significance. Last evaluated: 2026-07-01. Review status: criteria provided, single submitter. Criteria: CeGaT Center For Human Genetics Tuebingen Variant Classification Criteria Version 2. Collection method: clinical testing. Allele origin: germline. Affected: yes. Observed: 1 variant allele.
Comment: ROR2: PM2, BP4

Labcorp Genetics (formerly Invitae), Labcorp
Classification: Uncertain significance. Last evaluated: 2025-06-12. Review status: criteria provided, single submitter. Criteria: Invitae Variant Classification Sherloc (09022015). Collection method: clinical testing. Allele origin: germline.
Comment: This sequence change replaces proline, which is neutral and non-polar, with serine, which is neutral and polar, at codon 712 of the ROR2 protein (p.Pro712Ser). This variant is present in population databases (rs374945194, gnomAD 0.03%). This variant has not been reported in the literature in individuals affected with ROR2-related conditions. ClinVar contains an entry for this variant (Variation ID: 2722020). Invitae Evidence Modeling of protein sequence and biophysical properties (such as structural, functional, and spatial information, amino acid conservation, physicochemical variation, residue mobility, and thermodynamic stability) indicates that this missense variant is not expected to disrupt ROR2 protein function with a negative predictive value of 80%. In summary, the available evidence is currently insufficient to determine the role of this variant in disease. Therefore, it has been classified as a Variant of Uncertain Significance.

Ambry Genetics
Classification: Uncertain significance for Inborn genetic diseases. Last evaluated: 2025-04-04. Review status: criteria provided, single submitter. Criteria: Ambry Variant Classification Scheme 2023. Collection method: clinical testing. Allele origin: germline.

NM_004560.4(ROR2):c.2134C>T (p.Pro712Ser)

Gene: ROR2 (ROR family WNT receptor 2; minus strand). Cytogenetic location: 9q22.31.
Variant type: single nucleotide variant.
Coding change: c.2134C>T on transcript NM_004560.4 (MANE Select); coding-DNA position 2134, C replaced by T.
Protein change: p.Pro712Ser; replaces proline 712 with serine.
Molecular consequence: missense variant.
Genome position (GRCh38, 1-based): chr9:91,724,360, G>A on the plus strand (C>T on the coding strand, the complement: ROR2 is on the minus strand). VCF-style: chr9-91724360-G-A. GRCh37 (hg19) VCF-style: chr9-94486642-G-A.
Other names: c.2134C>T (NM_004560.3); short protein forms P712S.
Identifiers: ClinVar variation 2722020 (VCV002722020.6), dbSNP rs374945194, ClinGen allele CA5120480.
Genomic context (GRCh38, chr9:91,724,360, plus strand): 5'-ACTCGTTCCAGCACTCGATCATGAGGGCATACACCCAGGCGGGACAGTCATCGGGGCAAG[G>A]CAGCACCTGCCGGTTCCGGATCATCTCCACCACATCCTGGTTGGAGTACCCGCAGTAGGG-3'
Protein context (NP_004551.2, residues 702-722): VEMIRNRQVL[Pro712Ser]CPDDCPAWVY